The following is an entry in ClinVar:

NM_017491.5(WDR1):c.138+9C>T

Gene: WDR1 (WD repeat domain 1; minus strand). Cytogenetic location: 4p16.1.
Variant type: single nucleotide variant.
Coding change: c.138+9C>T on transcript NM_017491.5 (MANE Select); 9 bases into the intron after coding-DNA position 138, C replaced by T.
Molecular consequence: intron variant.
Genome position (GRCh38, 1-based): chr4:10,116,104, G>A on the plus strand (C>T on the coding strand, the complement: WDR1 is on the minus strand). VCF-style: chr4-10116104-G-A. GRCh37 (hg19) VCF-style: chr4-10117728-G-A.
Other names: p.?; c.138+9C>T (NM_005112.5).
Identifiers: ClinVar variation 1164466 (VCV001164466.12), dbSNP rs35782983, ClinGen allele CA2858239.

ClinVar aggregate classification (germline): Benign/Likely benign. Review status: criteria provided, multiple submitters, no conflicts (2 of 4 stars). 5 submissions from 5 submitters: Benign (4); Likely benign (1). Last evaluated 2026-02-04.

Allele frequency attached by ClinVar (database versions not stated): 1000 Genomes Project 0.13199; 1000 Genomes Project 30x 0.13335; ESP Exome Variant Server 0.15472; gnomAD 0.15844 and 0.15903; TOPMed 0.15893; ExAC 0.16909.
gnomAD v4.1: 287,537 of 1,611,254 alleles (18%); highest among the groups gnomAD compares: Admixed American, 22%; 27,201 homozygotes.

Submissions (5):

Labcorp Genetics (formerly Invitae), Labcorp
Classification: Benign. Last evaluated: 2026-02-04. Review status: criteria provided, single submitter. Criteria: Invitae Variant Classification Sherloc (09022015). Collection method: clinical testing. Allele origin: germline.

Blueprint Genetics
Classification: Likely benign. Last evaluated: 2024-11-26. Review status: criteria provided, single submitter. Criteria: ACMG Guidelines, 2015. Collection method: clinical testing. Allele origin: germline.

Unidad de Genómica Garrahan, Hospital de Pediatría Garrahan
Classification: Benign. Last evaluated: 2024-01-24. Review status: criteria provided, single submitter. Criteria: ACMG Guidelines, 2015. Collection method: clinical testing. Allele origin: germline. Affected: no. Observed: 38 variant alleles.
Comment: This variant is classified as Benign based on local population frequency. This variant was detected in 40% of patients studied by a panel of primary immunodeficiencies. Number of patients: 38. Only high quality variants are reported.

Mayo Clinic Laboratories, Mayo Clinic
Classification: Benign. Last evaluated: 2022-09-06. Review status: criteria provided, single submitter. Criteria: ACMG Guidelines, 2015. Collection method: clinical testing. Allele origin: germline. Observed: 178 variant alleles.

Breakthrough Genomics
Classification: Benign. Review status: criteria provided, single submitter. Criteria: ACMG Guidelines, 2015. Collection method: not provided. Allele origin: germline. Inheritance: Autosomal recessive inheritance. Affected: yes.